The following is an entry in ClinVar:

NM_004006.3(DMD):c.2303G>A (p.Arg768Gln)

Gene: DMD (dystrophin; minus strand). Cytogenetic location: Xp21.1.
Variant type: single nucleotide variant.
Coding change: c.2303G>A on transcript NM_004006.3 (MANE Select); coding-DNA position 2303, G replaced by A.
Protein change: p.Arg768Gln; replaces arginine 768 with glutamine.
Molecular consequence: missense variant.
Genome position (GRCh38, 1-based): chrX:32,501,832, C>T on the plus strand (G>A on the coding strand, the complement: DMD is on the minus strand). VCF-style: chrX-32501832-C-T. GRCh37 (hg19) VCF-style: chrX-32519949-C-T.
Other names: c.2279G>A, p.Arg760Gln (NM_000109.4); c.2291G>A, p.Arg764Gln (NM_004009.3); c.1934G>A, p.Arg645Gln (NM_004010.3); short protein forms R645Q, R768Q, R764Q, R760Q.
Identifiers: ClinVar variation 1462304 (VCV001462304.8), dbSNP rs769377296, ClinGen allele CA10379559.

ClinVar aggregate classification (germline): Uncertain significance. Review status: criteria provided, multiple submitters, no conflicts (2 of 4 stars). 2 submissions from 2 submitters: Uncertain significance (2). Last evaluated 2026-01-27.

Conditions:
Duchenne and Becker muscular dystrophy. Also called: Duchenne / Becker Muscular Dystrophy. Identifiers: Orphanet 262, MedGen C3542021. Disease mechanism: loss of function.
Duchenne muscular dystrophy (DMD). Also called: Duchenne Muscular Dystrophy (DMD); MUSCULAR DYSTROPHY, PSEUDOHYPERTROPHIC PROGRESSIVE, DUCHENNE TYPE. Identifiers: Orphanet 98896, MedGen C0013264, MONDO:0010679, OMIM 310200.

Allele frequency attached by ClinVar (database versions not stated): gnomAD 0.00001; gnomAD exomes 0.00001 and 0.00003; ExAC 0.00002; TOPMed below 0.00001.
gnomAD v4.1: 15 of 1,198,907 alleles (0.0013%); highest among the groups gnomAD compares: Admixed American, 0.011%; no homozygotes.

Submissions (2):

Labcorp Genetics (formerly Invitae), Labcorp
Classification: Uncertain significance for Duchenne muscular dystrophy. Last evaluated: 2026-01-27. Review status: criteria provided, single submitter. Criteria: Invitae Variant Classification Sherloc (09022015). Collection method: clinical testing. Allele origin: germline.
Comment: This sequence change replaces arginine, which is basic and polar, with glutamine, which is neutral and polar, at codon 768 of the DMD protein (p.Arg768Gln). This variant is present in population databases (rs769377296, gnomAD 0.02%). This variant has not been reported in the literature in individuals affected with DMD-related conditions. ClinVar contains an entry for this variant (Variation ID: 1462304). Invitae Evidence Modeling of protein sequence and biophysical properties (such as structural, functional, and spatial information, amino acid conservation, physicochemical variation, residue mobility, and thermodynamic stability) indicates that this missense variant is not expected to disrupt DMD protein function with a negative predictive value of 95%. In summary, the available evidence is currently insufficient to determine the role of this variant in disease. Therefore, it has been classified as a Variant of Uncertain Significance.

Victorian Clinical Genetics Services, Murdoch Childrens Research Institute
Classification: Uncertain significance for Duchenne and Becker muscular dystrophy. Last evaluated: 2020-06-11. Review status: criteria provided, single submitter. Criteria: ACMG Guidelines, 2015. Collection method: clinical testing. Allele origin: germline. Inheritance: X-linked recessive inheritance.
Comment: Based on the classification scheme VCGS_Germline_v1.1.1, this variant is classified as 3B-VUS. Following criteria are met: 0102 - Loss-of-function is a known mechanism of disease for this gene. (N) 0109 - This gene is known to be associated with X-linked recessive disease. (N) 0200 - Variant is predicted to result in a missense amino acid change from arginine to glutamine (exon 19). (N) 0251 - Variant is heterozygous. (N) 0304 - Variant is present in gnomAD <0.01 for a recessive condition (5 heterozygotes, 0 homozygotes, 0 hemizygotes). (P) 0309 - An alternative amino acid change at the same position has been observed in gnomAD (1 heterozygote, 0 homozygotes, 0 hemizygotes). (N) 0502 - Missense variant with conflicting in silico predictions and uninformative conservation. (N) 0600 - Variant is located in an annotated domain or motif (Spectrin repeats superfamily; NCBI, PDB). (N) 0705 - No comparable variants have previous evidence for pathogenicity. (N) 0807 - Variant has not previously been reported in a clinical context. (N) 0905 - No segregation evidence has been identified for this variant. (N) 1007 - No published functional evidence has been identified for this variant. (N) 1208 - Inheritance information for this variant is not currently available. (N) Legend: (P) - Pathogenic, (N) - Neutral, (B) - Benign